The following is an entry in ClinVar:

ClinVar aggregate classification (germline): Likely benign (0 of 4 stars; one submission).

Conditions:
TNFRSF10B-related disorder. Also called: TNFRSF10B-related condition.

Allele frequency attached by ClinVar (database versions not stated): gnomAD exomes 0.00003; ExAC 0.00015; ESP Exome Variant Server 0.00046; gnomAD 0.00050; TOPMed 0.00056; 1000 Genomes Project 0.00140; 1000 Genomes Project 30x 0.00187.
gnomAD v4.1: 126 of 1,613,998 alleles (0.0078%); highest among the groups gnomAD compares: African/African-American, 0.15%; 1 homozygote.

Submission:

PreventionGenetics, part of Exact Sciences
Classification: Likely benign for TNFRSF10B-related condition. Last evaluated: 2019-06-25. Review status: no assertion criteria provided. Collection method: clinical testing. Allele origin: germline.
Comment: This variant is classified as likely benign based on ACMG/AMP sequence variant interpretation guidelines (Richards et al. 2015 PMID: 25741868, with internal and published modifications).

NM_003842.5(TNFRSF10B):c.*5G>T

Gene: TNFRSF10B (TNF receptor superfamily member 10b; minus strand). Cytogenetic location: 8p21.3.
Variant type: single nucleotide variant.
Coding change: c.*5G>T on transcript NM_003842.5 (MANE Select); 5 bases downstream of the stop codon, G replaced by T.
Molecular consequence: 3 prime UTR variant. On other transcripts: non-coding transcript variant (1).
Genome position (GRCh38, 1-based): chr8:23,022,666, C>A on the plus strand (G>T on the coding strand, the complement: TNFRSF10B is on the minus strand). VCF-style: chr8-23022666-C-A. GRCh37 (hg19) VCF-style: chr8-22880179-C-A.
Other names: c.*5G>T (NM_147187.3).
Identifiers: ClinVar variation 3042611 (VCV003042611.2), dbSNP rs373566329, ClinGen allele CA4673044.